The following is an entry in ClinVar:

NM_000271.5(NPC1):c.2027_2030del (p.Ser676fs)

Gene: NPC1 (NPC intracellular cholesterol transporter 1; minus strand). Cytogenetic location: 18q11.2.
Variant type: Deletion.
Coding change: c.2027_2030del on transcript NM_000271.5 (MANE Select); coding-DNA positions 2027 to 2030, 4 bases deleted (GCTA; older notation c.2027_2030delGCTA).
Protein change: p.Ser676fs; shifts the reading frame from serine 676.
Molecular consequence: frameshift variant.
Genome position (GRCh38, 1-based): chr18:23,544,444-23,544,447, TAGC deleted on the plus strand (GCTA on the coding strand, the reverse complement: NPC1 is on the minus strand); deleting any 4 consecutive bases within chr18:23,544,444-23,544,448 gives the same sequence; the c. name uses the placement nearest the transcript's 3' end. VCF-style (leftmost placement, unchanged base first): chr18-23544443-GTAGC-G. GRCh37 (hg19) VCF-style: chr18-21124407-GTAGC-G.
Other names: short protein forms S676fs.
Identifiers: ClinVar variation 5011347 (VCV005011347.1).

ClinVar aggregate classification (germline): Pathogenic (1 of 4 stars; one submission).

Conditions:
Niemann-Pick disease, type C1. Also called: NEUROVISCERAL STORAGE DISEASE WITH VERTICAL SUPRANUCLEAR OPHTHALMOPLEGIA; NIEMANN-PICK DISEASE WITH CHOLESTEROL ESTERIFICATION BLOCK; NIEMANN-PICK DISEASE WITHOUT SPHINGOMYELINASE DEFICIENCY; NIEMANN-PICK DISEASE, CHRONIC NEURONOPATHIC FORM; NIEMANN-PICK DISEASE, VARIANT TYPE C1. Identifiers: Orphanet 646, MedGen C3179455, MONDO:0009757, OMIM 257220.

Submission:

Myriad Genetics, Inc.
Classification: Pathogenic for Niemann-Pick disease, type C1. Last evaluated: 2023-08-14. Review status: criteria provided, single submitter. Criteria: Myriad Autosomal Dominant, Autosomal Recessive and X-Linked Classification Criteria (2023). Collection method: clinical testing. Allele origin: unknown.
Comment: NM_000271.4(NPC1):c.2027_2030delGCTA(S676Tfs*6) is expected to be pathogenic in the context of Niemann-Pick disease type C1. This variant is predicted to lead to an abnormal or absent protein product due to the creation of a premature termination codon in NPC1, a gene where loss-of-function variants are known to be pathogenic. Please note: this variant was assessed in the context of healthy population screening.